The following is an entry in ClinVar:

ClinVar aggregate classification (germline): Uncertain significance (1 of 4 stars; one submission).

Submission:

Labcorp Genetics (formerly Invitae), Labcorp
Classification: Uncertain significance. Last evaluated: 2024-08-08. Review status: criteria provided, single submitter. Criteria: Invitae Variant Classification Sherloc (09022015). Collection method: clinical testing. Allele origin: germline.
Comment: This sequence change replaces isoleucine, which is neutral and non-polar, with threonine, which is neutral and polar, at codon 418 of the NEFH protein (p.Ile418Thr). This variant is not present in population databases (gnomAD no frequency). This variant has not been reported in the literature in individuals affected with NEFH-related conditions. Advanced modeling of protein sequence and biophysical properties (such as structural, functional, and spatial information, amino acid conservation, physicochemical variation, residue mobility, and thermodynamic stability) performed at Invitae indicates that this missense variant is not expected to disrupt NEFH protein function with a negative predictive value of 95%. In summary, the available evidence is currently insufficient to determine the role of this variant in disease. Therefore, it has been classified as a Variant of Uncertain Significance.

NM_021076.4(NEFH):c.1253T>C (p.Ile418Thr)

Gene: NEFH (neurofilament heavy chain; plus strand). Cytogenetic location: 22q12.2.
Variant type: single nucleotide variant.
Coding change: c.1253T>C on transcript NM_021076.4 (MANE Select); coding-DNA position 1253, T replaced by C.
Protein change: p.Ile418Thr; replaces isoleucine 418 with threonine.
Molecular consequence: missense variant.
Genome position (GRCh38, 1-based): chr22:29,488,893, T>C. VCF-style: chr22-29488893-T-C. GRCh37 (hg19) VCF-style: chr22-29884882-T-C.
Other names: short protein forms I418T.
Identifiers: ClinVar variation 3637753 (VCV003637753.2).